The following is an entry in ClinVar:

ClinVar aggregate classification (germline): Benign (0 of 4 stars; one submission).

Conditions:
OXTR-related disorder. Also called: OXTR-related condition.

Allele frequency attached by ClinVar (database versions not stated): 1000 Genomes Project 0.24760; 1000 Genomes Project 30x 0.25859; gnomAD 0.30754; TOPMed 0.30818; ExAC 0.31672; ESP Exome Variant Server 0.32931; gnomAD exomes 0.33058.
gnomAD v4.1: 528,782 of 1,610,256 alleles (33%); highest among the groups gnomAD compares: Middle Eastern, 36%; 90,231 homozygotes.

Submission:

PreventionGenetics, part of Exact Sciences
Classification: Benign for OXTR-related condition. Last evaluated: 2019-10-21. Review status: no assertion criteria provided. Collection method: clinical testing. Allele origin: germline.
Comment: This variant is classified as benign based on ACMG/AMP sequence variant interpretation guidelines (Richards et al. 2015 PMID: 25741868, with internal and published modifications).

NM_000916.4(OXTR):c.690C>T (p.Asn230=)

Gene: OXTR (oxytocin receptor; minus strand). Cytogenetic location: 3p25.3.
Variant type: single nucleotide variant.
Coding change: c.690C>T on transcript NM_000916.4 (MANE Select); coding-DNA position 690, C replaced by T.
Protein change: p.Asn230=; no amino-acid change (asparagine 230 retained).
Molecular consequence: synonymous variant.
Genome position (GRCh38, 1-based): chr3:8,767,498, G>A on the plus strand (C>T on the coding strand, the complement: OXTR is on the minus strand). VCF-style: chr3-8767498-G-A. GRCh37 (hg19) VCF-style: chr3-8809184-G-A.
Other names: c.690C>T, p.Asn230= (NM_001354653.2, NM_001354654.2, NM_001354655.2 and 1 more transcripts).
Identifiers: ClinVar variation 3058957 (VCV003058957.2), dbSNP rs237902, ClinGen allele CA2236542.
Genomic context (GRCh38, chr3:8,767,498, plus strand): 5'-GCCAGCCGCCGCGCCCTCTGGCGCCTCGGCCGCCGCCGCTGCAGCGGTCTTGAGCCGCAA[G>A]TTCTGCCAGATCTTGAAGCTGATAAGGCCGTAGCAGGCAGCGAGCACGATGACCGGCACG-3'
Protein context (NP_000907.2, residues 220-240): YGLISFKIWQ[Asn230=]LRLKTAAAAA